The following is an entry in ClinVar:

NM_053025.4(MYLK):c.3421A>C (p.Thr1141Pro)

Gene: MYLK (myosin light chain kinase; minus strand). Cytogenetic location: 3q21.1.
Variant type: single nucleotide variant.
Coding change: c.3421A>C on transcript NM_053025.4 (MANE Select); coding-DNA position 3421, A replaced by C.
Protein change: p.Thr1141Pro; replaces threonine 1141 with proline.
Molecular consequence: missense variant.
Genome position (GRCh38, 1-based): chr3:123,700,047, T>G on the plus strand (A>C on the coding strand, the complement: MYLK is on the minus strand). VCF-style: chr3-123700047-T-G. GRCh37 (hg19) VCF-style: chr3-123418894-T-G.
Other names: c.2893A>C, p.Thr965Pro (NM_001321309.2); c.3214A>C, p.Thr1072Pro (NM_053026.4, NM_053028.4); c.3421A>C, p.Thr1141Pro (NM_053027.4); short protein forms T1072P, T965P, T1141P.
Identifiers: ClinVar variation 4997973 (VCV004997973.1).

ClinVar aggregate classification (germline): Uncertain significance (1 of 4 stars; one submission).

Conditions:
MYLK-related disorder. Also called: MYLK-related condition.

gnomAD v4.1: 1 of 1,613,956 alleles (0.000062%); highest among the groups gnomAD compares: Non-Finnish European, 0.000085%; no homozygotes.

Submission:

PreventionGenetics, part of Exact Sciences
Classification: Uncertain significance for MYLK-related condition. Last evaluated: 2025-05-13. Review status: criteria provided, single submitter. Criteria: ACMG Guidelines, 2015. Collection method: clinical testing. Allele origin: germline.
Comment: The MYLK c.3421A>C variant is predicted to result in the amino acid substitution p.Thr1141Pro. To our knowledge, this variant has not been reported in the literature or in a large population database (gnomAD), indicating this variant is rare. At this time, the clinical significance of this variant is uncertain due to the absence of conclusive functional and genetic evidence.